The following is an entry in ClinVar:

ClinVar aggregate classification (germline): Uncertain significance (1 of 4 stars; one submission).

Allele frequency attached by ClinVar (database versions not stated): ExAC 0.00001; TOPMed 0.00001; gnomAD 0.00002.
gnomAD v4.1: 55 of 1,595,706 alleles (0.0034%); highest among the groups gnomAD compares: Non-Finnish European, 0.0045%; no homozygotes.

Submission:

Labcorp Genetics (formerly Invitae), Labcorp
Classification: Uncertain significance. Last evaluated: 2022-07-23. Review status: criteria provided, single submitter. Criteria: Invitae Variant Classification Sherloc (09022015). Collection method: clinical testing. Allele origin: germline.
Comment: This sequence change falls in intron 35 of the CACNA1B gene. It does not directly change the encoded amino acid sequence of the CACNA1B protein. It affects a nucleotide within the consensus splice site. This variant is present in population databases (rs765107632, gnomAD 0.003%). This variant has not been reported in the literature in individuals affected with CACNA1B-related conditions. Variants that disrupt the consensus splice site are a relatively common cause of aberrant splicing (PMID: 17576681, 9536098). Algorithms developed to predict the effect of sequence changes on RNA splicing suggest that this variant is not likely to affect RNA splicing. In summary, the available evidence is currently insufficient to determine the role of this variant in disease. Therefore, it has been classified as a Variant of Uncertain Significance.

Literature cited by the submitters: PubMed 17576681; PubMed 9536098.

NM_000718.4(CACNA1B):c.4949+6T>G

Gene: CACNA1B (calcium voltage-gated channel subunit alpha1 B; plus strand). Cytogenetic location: 9q34.3.
Variant type: single nucleotide variant.
Coding change: c.4949+6T>G on transcript NM_000718.4 (MANE Select); 6 bases into the intron after coding-DNA position 4949, T replaced by G.
Molecular consequence: intron variant.
Genome position (GRCh38, 1-based): chr9:138,075,916, T>G. VCF-style: chr9-138075916-T-G. GRCh37 (hg19) VCF-style: chr9-140970368-T-G.
Other names: c.4949+6T>G (NM_001243812.2).
Identifiers: ClinVar variation 1905211 (VCV001905211.2), dbSNP rs765107632, ClinGen allele CA5377196.